The following is an entry in ClinVar:

NM_000531.6(OTC):c.386+1G>T

Gene: OTC (ornithine transcarbamylase; plus strand). Cytogenetic location: Xp11.4.
Variant type: single nucleotide variant.
Coding change: c.386+1G>T on transcript NM_000531.6 (MANE Select); the canonical splice donor site of the intron after coding-DNA position 386, G replaced by T.
Molecular consequence: splice donor variant.
Genome position (GRCh38, 1-based): chrX:38,381,430, G>T. VCF-style: chrX-38381430-G-T. GRCh37 (hg19) VCF-style: chrX-38240683-G-T.
Other names: NC_000023.10:g.38240683G>T; c.386+1G>T (NM_001407092.1).
Identifiers: ClinVar variation 97179 (VCV000097179.3), dbSNP rs66737144, ClinGen allele CA224566.
Genomic context (GRCh38, chrX:38,381,430, plus strand): 5'-TTTTCTTACCACACAAGATATTCATTTGGGTGTGAATGAAAGTCTCACGGACACGGCCCG[G>T]TTTGTAAATATTTTCTTCTCTCCAAAGCTGATTTCAGAATCTGATGGATAAATTTCAAAA-3'

ClinVar aggregate classification (germline): Pathogenic (0 of 4 stars; one submission).

Submissions (2):

Dr. Peter K. Rogan Lab, Western University
No classification provided (evidence only). Condition: Nonpapillary renal cell carcinoma. Review status: no classification provided. Collection method: in vitro. Allele origin: not applicable. Functional consequence: retained intron. Not counted in ClinVar's aggregate classification.

GenMed Metabolism Lab
Classification: Pathogenic. Review status: no assertion criteria provided. Collection method: not provided. Allele origin: unknown.
Comment: Late, Donor splice site error, somatic mosaicism
ClinVar note: Converted during submission from pathogenic to Pathogenic.